The following is an entry in ClinVar:

ClinVar aggregate classification (germline): Benign/Likely benign. Review status: criteria provided, multiple submitters, no conflicts (2 of 4 stars). 6 submissions from 6 submitters: Benign (3); Likely benign (3). Last evaluated 2026-01-26.

Conditions:
Charcot-Marie-Tooth disease type 4. Also called: Charcot-Marie-Tooth disease, type IV; Charcot-Marie-Tooth, Type 4. Identifiers: Orphanet 64749, MedGen C4082197, MONDO:0018995.
Charcot-Marie-Tooth disease type 4B2. Also called: Charcot-Marie-Tooth Neuropathy Type 4B2; CHARCOT-MARIE-TOOTH DISEASE, WITH FOCALLY FOLDED MYELIN SHEATHS, AUTOSOMAL RECESSIVE, TYPE 4B2; CMT 4B2; CHARCOT-MARIE-TOOTH DISEASE, DEMYELINATING, TYPE 4B2. Identifiers: Orphanet 99956, MedGen C1858278, MONDO:0011475, OMIM 604563.
Charcot-Marie-Tooth disease. Also called: Charcot-Marie-Tooth Neuropathy; Charcot-Marie-Tooth Hereditary Neuropathy. Identifiers: Orphanet 166, MedGen C0007959, MONDO:0015626.

Allele frequency attached by ClinVar (database versions not stated): gnomAD exomes 0.00045 and 0.00115; ExAC 0.00137; ESP Exome Variant Server 0.00400; gnomAD 0.00516 and 0.00548; TOPMed 0.00580; 1000 Genomes Project 0.00619; 1000 Genomes Project 30x 0.00671.
gnomAD v4.1: 1,476 of 1,614,162 alleles (0.091%); highest among the groups gnomAD compares: African/African-American, 1.7%; 10 homozygotes.

Submissions (6):

Labcorp Genetics (formerly Invitae), Labcorp
Classification: Benign for Charcot-Marie-Tooth disease type 4. Last evaluated: 2026-01-26. Review status: criteria provided, single submitter. Criteria: Invitae Variant Classification Sherloc (09022015). Collection method: clinical testing. Allele origin: germline.

Blueprint Genetics
Classification: Likely benign. Last evaluated: 2024-08-28. Review status: criteria provided, single submitter. Criteria: ACMG Guidelines, 2015. Collection method: clinical testing. Allele origin: germline.

Athena Diagnostics
Classification: Likely benign. Last evaluated: 2021-04-28. Review status: criteria provided, single submitter. Criteria: Athena Diagnostics criteria. Collection method: clinical testing. Allele origin: unknown.

GeneDx
Classification: Benign. Last evaluated: 2018-08-14. Review status: criteria provided, single submitter. Criteria: GeneDx Variant Classification Process June 2021. Collection method: clinical testing. Allele origin: germline. Affected: yes.

Illumina Laboratory Services, Illumina
Classification: Benign for Charcot-Marie-Tooth disease type 4B2. Last evaluated: 2018-01-12. Review status: criteria provided, single submitter. Criteria: ICSL Variant Classification Criteria 13 December 2019. Collection method: clinical testing. Allele origin: germline.
Comment: This variant was observed in the ICSL laboratory as part of a predisposition screen in an ostensibly healthy population. It had not been previously curated by ICSL or reported in the Human Gene Mutation Database (HGMD: prior to June 1st, 2018), and was therefore a candidate for classification through an automated scoring system. Utilizing variant allele frequency, disease prevalence and penetrance estimates, and inheritance mode, an automated score was calculated to assess if this variant is too frequent to cause the disease. Based on the score and internal cut-off values, a variant classified as benign is not then subjected to further curation. The score for this variant resulted in a classification of benign for this disease.

Molecular Genetics Laboratory, London Health Sciences Centre
Classification: Likely benign for Charcot-Marie-Tooth disease. Review status: criteria provided, single submitter. Criteria: ACMG Guidelines, 2015. Collection method: clinical testing. Allele origin: germline. Affected: yes.

NM_030962.4(SBF2):c.4096C>T (p.Pro1366Ser)

Gene: SBF2 (SET binding factor 2; minus strand). Cytogenetic location: 11p15.4.
Variant type: single nucleotide variant.
Coding change: c.4096C>T on transcript NM_030962.4 (MANE Select); coding-DNA position 4096, C replaced by T.
Protein change: p.Pro1366Ser; replaces proline 1366 with serine.
Molecular consequence: missense variant.
Genome position (GRCh38, 1-based): chr11:9,812,591, G>A on the plus strand (C>T on the coding strand, the complement: SBF2 is on the minus strand). VCF-style: chr11-9812591-G-A. GRCh37 (hg19) VCF-style: chr11-9834138-G-A.
Other names: c.4192C>T, p.Pro1398Ser (NM_001386339.1); c.3967C>T, p.Pro1323Ser (NM_001386342.1); short protein forms P1366S, P1323S, P1398S.
Identifiers: ClinVar variation 306584 (VCV000306584.20), dbSNP rs115927577, ClinGen allele CA5881066.